The following is an entry in ClinVar:

ClinVar aggregate classification (germline): Pathogenic/Likely pathogenic. Review status: criteria provided, multiple submitters, no conflicts (2 of 4 stars). 2 submissions from 2 submitters: Pathogenic (1); Likely pathogenic (1). Last evaluated 2023-05-23.

Conditions:
Stuve-Wiedemann syndrome (STWS). Also called: Stüve-Wiedemann syndrome. Identifiers: Orphanet 3206, MedGen C0796176, MONDO:0031280.

Submissions (2):

Labcorp Genetics (formerly Invitae), Labcorp
Classification: Pathogenic. Last evaluated: 2023-05-23. Review status: criteria provided, single submitter. Criteria: Invitae Variant Classification Sherloc (09022015). Collection method: clinical testing. Allele origin: germline.
Comment: For these reasons, this variant has been classified as Pathogenic. ClinVar contains an entry for this variant (Variation ID: 506000). This variant has not been reported in the literature in individuals affected with LIFR-related conditions. This variant is not present in population databases (gnomAD no frequency). This sequence change creates a premature translational stop signal (p.Lys526Asnfs*4) in the LIFR gene. It is expected to result in an absent or disrupted protein product. Loss-of-function variants in LIFR are known to be pathogenic (PMID: 14740318).

Laboratory for Molecular Medicine, Mass General Brigham Personalized Medicine
Classification: Likely pathogenic for Stuve-Wiedemann syndrome. Last evaluated: 2017-09-26. Review status: criteria provided, single submitter. Criteria: LMM Criteria. Collection method: clinical testing. Allele origin: germline. Inheritance: Autosomal recessive inheritance. Observed: 1 variant allele.
Comment: The p.Lys526AsnfsX4 (NM_002310.5 c.1578delA) variant in LIFR has not been previo usly reported in individuals with Stuve-Wiedemann syndrome and was absent from l arge population studies. This variant is predicted to cause a frameshift, which alters the protein?s amino acid sequence beginning at position 526 and leads to a premature termination codon 4 amino acids downstream. This alteration is then predicted to lead to a truncated or absent protein. Biallelic loss of function o f the LIFR gene has been associated with Stuve-Wiedemann syndrome. In summary, a lthough additional studies are required to fully establish its clinical signific ance, the p.Lys526AsnfsX4 variant is likely pathogenic for Stuve-Wiedemann syndr ome in an autosomal recessive manner based on a predicted null effect.

Literature cited by the submitters: PubMed 14740318 (cited by Labcorp Genetics (formerly Invitae), Labcorp).

NM_001127671.2(LIFR):c.1578del (p.Lys526fs)

Gene: LIFR (LIF receptor subunit alpha; minus strand). Cytogenetic location: 5p13.1.
Variant type: Deletion.
Coding change: c.1578del on transcript NM_001127671.2 (MANE Select); coding-DNA position 1578, one base deleted (A; older notation c.1578delA).
Protein change: p.Lys526fs; shifts the reading frame from lysine 526.
Molecular consequence: frameshift variant.
Genome position (GRCh38, 1-based): chr5:38,502,659, T deleted on the plus strand (A on the coding strand, the reverse complement: LIFR is on the minus strand); the first of 6 consecutive T bases (chr5:38,502,659-38,502,664); deleting any one gives the same sequence. VCF-style (leftmost placement, unchanged base first): chr5-38502658-GT-G. GRCh37 (hg19) VCF-style: chr5-38502760-GT-G.
Other names: c.1578del, p.Lys526fs (NM_001364297.2, NM_001364298.2, NM_002310.6); short protein forms K526fs.
Identifiers: ClinVar variation 506000 (VCV000506000.8), dbSNP rs1554020702, ClinGen allele CA658796524.
Genomic context (GRCh38, chr5:38,502,658, plus strand): 5'-CACAGTAATTATTAGCCATACATCACTTAGTTAACTTACTGGCTTCTGTTGTTAAATGTT[GT>G]TTTTTATTGCTCCATTTGCTCCATTTCCAGAAAGTTTCAGTAGAACAACGAATCCGAAAA-3'